The following is an entry in ClinVar:

ClinVar aggregate classification (germline): Uncertain significance (1 of 4 stars; one submission).

Conditions:
Hereditary cancer-predisposing syndrome. Also called: Neoplastic Syndromes, Hereditary; Tumor predisposition; Hereditary Cancer Syndrome; Hereditary neoplastic syndrome. Identifiers: Orphanet 140162, MedGen C0027672, MeSH D009386, MONDO:0015356.

gnomAD v4.1: 2 of 1,614,100 alleles (0.00012%); highest among the groups gnomAD compares: Non-Finnish European, 0.00017%; no homozygotes.

Submission:

Ambry Genetics
Classification: Uncertain significance for Hereditary cancer-predisposing syndrome. Last evaluated: 2022-04-09. Review status: criteria provided, single submitter. Criteria: Ambry Variant Classification Scheme 2023. Collection method: clinical testing. Allele origin: germline.
Comment: The p.G1005R variant (also known as c.3013G>C), located in coding exon 21 of the PDGFRA gene, results from a G to C substitution at nucleotide position 3013. The glycine at codon 1005 is replaced by arginine, an amino acid with dissimilar properties. This amino acid position is conserved. In addition, this alteration is predicted to be tolerated by in silico analysis. Since supporting evidence is limited at this time, the clinical significance of this alteration remains unclear.

NM_006206.6(PDGFRA):c.3013G>C (p.Gly1005Arg)

Gene: PDGFRA (platelet derived growth factor receptor alpha; plus strand). Cytogenetic location: 4q12.
Variant type: single nucleotide variant.
Coding change: c.3013G>C on transcript NM_006206.6 (MANE Select); coding-DNA position 3013, G replaced by C.
Protein change: p.Gly1005Arg; replaces glycine 1005 with arginine.
Molecular consequence: missense variant.
Genome position (GRCh38, 1-based): chr4:54,290,445, G>C. VCF-style: chr4-54290445-G-C. GRCh37 (hg19) VCF-style: chr4-55156612-G-C.
Other names: c.3088G>C, p.Gly1030Arg (NM_001347828.2); c.3013G>C, p.Gly1005Arg (NM_001347829.2); c.3052G>C, p.Gly1018Arg (NM_001347830.2); short protein forms G1005R, G1018R, G1030R.
Identifiers: ClinVar variation 1798829 (VCV001798829.2), dbSNP rs56028238, ClinGen allele CA356896190.